The following is an entry in ClinVar:

NM_000038.6(APC):c.2894del (p.Asn965fs)

Gene: APC (APC regulator of Wnt signaling pathway; plus strand). Cytogenetic location: 5q22.2.
Variant type: Deletion.
Coding change: c.2894del on transcript NM_000038.6 (MANE Select); coding-DNA position 2894, one base deleted (A; older notation c.2894delA).
Protein change: p.Asn965fs; shifts the reading frame from asparagine 965.
Molecular consequence: frameshift variant.
Genome position (GRCh38, 1-based): chr5:112,838,488, A deleted; the last of 3 consecutive A bases (chr5:112,838,486-112,838,488); deleting any one gives the same sequence. VCF-style (leftmost placement, unchanged base first): chr5-112838485-TA-T. GRCh37 (hg19) VCF-style: chr5-112174182-TA-T.
Other names: c.2894del (NM_000038.5); c.2894del, p.Asn965fs (NM_001127510.3, NM_001354895.2); c.2840del, p.Asn947fs (NM_001127511.3); c.2948del, p.Asn983fs (NM_001354896.2); c.2924del, p.Asn975fs (NM_001354897.2); c.2819del, p.Asn940fs (NM_001354898.2); c.2810del, p.Asn937fs (NM_001354899.2); c.2771del, p.Asn924fs (NM_001354900.2); and 6 more; short protein forms N906fs, N983fs, N839fs, N874fs, N924fs, N937fs, N805fs, N965fs.
Identifiers: ClinVar variation 537523 (VCV000537523.13), dbSNP rs1554084575, ClinGen allele CA658760846.

ClinVar aggregate classification (germline): Pathogenic. Review status: criteria provided, multiple submitters, no conflicts (2 of 4 stars). 2 submissions from 2 submitters: Pathogenic (2). Last evaluated 2023-05-05.

Conditions:
Familial adenomatous polyposis 1 (FAP1). Also called: FAMILIAL ADENOMATOUS POLYPOSIS 1, ATTENUATED; POLYPOSIS, ADENOMATOUS INTESTINAL. Identifiers: MedGen C2713442, MONDO:0021056, OMIM 175100. Disease mechanism: loss of function.

Submissions (2):

Myriad Genetics, Inc.
Classification: Pathogenic for Familial adenomatous polyposis 1. Last evaluated: 2023-05-05. Review status: criteria provided, single submitter. Criteria: Myriad Autosomal Dominant, Autosomal Recessive and X-Linked Classification Criteria (2023). Collection method: clinical testing. Allele origin: unknown.
Comment: This variant is considered pathogenic. This variant creates a frameshift predicted to result in premature protein truncation.

Labcorp Genetics (formerly Invitae), Labcorp
Classification: Pathogenic for Familial adenomatous polyposis 1. Last evaluated: 2019-02-12. Review status: criteria provided, single submitter. Criteria: Invitae Variant Classification Sherloc (09022015). Collection method: clinical testing. Allele origin: germline.
Comment: For these reasons, this variant has been classified as Pathogenic. A different truncation (p.Glu1309Argfs*11) that lies downstream of this variant has been determined to be pathogenic (PMID: 24664542, 20223039, 9101302, 8162022, 20685668). This suggests that deletion of this region of the APC protein is causative of disease. This particular truncation has been reported in the literature in several individuals affected with familial adenomatous polyposis (PMID: 9101302, 20685668). This variant is not present in population databases (ExAC no frequency). This sequence change results in a premature translational stop signal in the APC gene (p.Asn965Ilefs*15). While this is not anticipated to result in nonsense mediated decay, it is expected to disrupt the last 1,879 amino acids of the APC protein.

Literature cited by the submitters: PubMed 24664542 (cited by Labcorp Genetics (formerly Invitae), Labcorp); PubMed 20223039 (cited by Labcorp Genetics (formerly Invitae), Labcorp); PubMed 9101302 (cited by Labcorp Genetics (formerly Invitae), Labcorp); PubMed 8162022 (cited by Labcorp Genetics (formerly Invitae), Labcorp); PubMed 20685668 (cited by Labcorp Genetics (formerly Invitae), Labcorp).